The following is an entry in ClinVar:

NM_001371986.1(UNC80):c.5765A>T (p.His1922Leu)

Gene: UNC80 (unc-80 subunit of NALCN channel complex; plus strand). Cytogenetic location: 2q34.
Variant type: single nucleotide variant.
Coding change: c.5765A>T on transcript NM_001371986.1 (MANE Select); coding-DNA position 5765, A replaced by T.
Protein change: p.His1922Leu; replaces histidine 1922 with leucine.
Molecular consequence: missense variant.
Genome position (GRCh38, 1-based): chr2:209,926,945, A>T. VCF-style: chr2-209926945-A-T. GRCh37 (hg19) VCF-style: chr2-210791669-A-T.
Other names: c.5567A>T, p.His1856Leu (NM_032504.2); c.5552A>T, p.His1851Leu (NM_182587.4); c.5567A>T (NM_032504.1); short protein forms H1851L, H1856L, H1922L.
Identifiers: ClinVar variation 2070521 (VCV002070521.3), dbSNP rs1317018845, ClinGen allele CA350765549.

ClinVar aggregate classification (germline): Uncertain significance. Review status: criteria provided, multiple submitters, no conflicts (2 of 4 stars). 2 submissions from 2 submitters: Uncertain significance (2). Last evaluated 2025-08-05.

Conditions:
Inborn genetic diseases. Identifiers: MedGen C0950123, MeSH D030342.

Allele frequency attached by ClinVar (database versions not stated): TOPMed 0.00001; gnomAD 0.00002.
gnomAD v4.1: 15 of 1,552,006 alleles (0.00097%); highest among the groups gnomAD compares: African/African-American, 0.0041%; no homozygotes.

Submissions (2):

Labcorp Genetics (formerly Invitae), Labcorp
Classification: Uncertain significance. Last evaluated: 2025-08-05. Review status: criteria provided, single submitter. Criteria: Invitae Variant Classification Sherloc (09022015). Collection method: clinical testing. Allele origin: germline.
Comment: This sequence change replaces histidine, which is basic and polar, with leucine, which is neutral and non-polar, at codon 1856 of the UNC80 protein (p.His1856Leu). This variant is present in population databases (no rsID available, gnomAD 0.01%). This variant has not been reported in the literature in individuals affected with UNC80-related conditions. ClinVar contains an entry for this variant (Variation ID: 2070521). Invitae Evidence Modeling of protein sequence and biophysical properties (such as structural, functional, and spatial information, amino acid conservation, physicochemical variation, residue mobility, and thermodynamic stability) indicates that this missense variant is not expected to disrupt UNC80 protein function with a negative predictive value of 80%. In summary, the available evidence is currently insufficient to determine the role of this variant in disease. Therefore, it has been classified as a Variant of Uncertain Significance.

Ambry Genetics
Classification: Uncertain significance for Inborn genetic diseases. Last evaluated: 2025-08-04. Review status: criteria provided, single submitter. Criteria: Ambry Variant Classification Scheme 2023. Collection method: clinical testing. Allele origin: germline.